The following is an entry in ClinVar:

ClinVar aggregate classification (germline): Uncertain significance (1 of 4 stars; one submission).

Conditions:
Developmental and epileptic encephalopathy, 25 (DEE25). Also called: Developmental and epileptic encephalopathy 25, with amelogenesis imperfecta; Epileptic encephalopathy, early infantile, 25, with amelogenesis imperfecta; Epileptic encephalopathy, early infantile, 25. Identifiers: Orphanet 442835, MedGen C4014621, MONDO:0014392, OMIM 615905.

Allele frequency attached by ClinVar (database versions not stated): gnomAD exomes below 0.00001; TOPMed below 0.00001.
gnomAD v4.1: 1 of 1,612,924 alleles (0.000062%); highest among the groups gnomAD compares: East Asian, 0.0022%; no homozygotes.

Submission:

Labcorp Genetics (formerly Invitae), Labcorp
Classification: Uncertain significance for Developmental and epileptic encephalopathy, 25. Last evaluated: 2021-12-22. Review status: criteria provided, single submitter. Criteria: Invitae Variant Classification Sherloc (09022015). Collection method: clinical testing. Allele origin: germline.
Comment: In summary, the available evidence is currently insufficient to determine the role of this variant in disease. Therefore, it has been classified as a Variant of Uncertain Significance. Algorithms developed to predict the effect of missense changes on protein structure and function are either unavailable or do not agree on the potential impact of this missense change (SIFT: "Tolerated"; PolyPhen-2: "Possibly Damaging"; Align-GVGD: "Class C0"). This variant has not been reported in the literature in individuals affected with SLC13A5-related conditions. This variant is not present in population databases (gnomAD no frequency). This sequence change replaces isoleucine, which is neutral and non-polar, with valine, which is neutral and non-polar, at codon 151 of the SLC13A5 protein (p.Ile151Val).

NM_177550.5(SLC13A5):c.451A>G (p.Ile151Val)

Gene: SLC13A5 (solute carrier family 13 member 5; minus strand). Cytogenetic location: 17p13.1.
Variant type: single nucleotide variant.
Coding change: c.451A>G on transcript NM_177550.5 (MANE Select); coding-DNA position 451, A replaced by G.
Protein change: p.Ile151Val; replaces isoleucine 151 with valine.
Molecular consequence: missense variant.
Genome position (GRCh38, 1-based): chr17:6,703,974, T>C on the plus strand (A>G on the coding strand, the complement: SLC13A5 is on the minus strand). VCF-style: chr17-6703974-T-C. GRCh37 (hg19) VCF-style: chr17-6607293-T-C.
Other names: c.451A>G, p.Ile151Val (NM_001143838.3); c.400A>G, p.Ile134Val (NM_001284509.2); c.322A>G, p.Ile108Val (NM_001284510.2); short protein forms I108V, I134V, I151V.
Identifiers: ClinVar variation 2151580 (VCV002151580.2), dbSNP rs1973791521, ClinGen allele CA397750104.